The following is an entry in ClinVar:

ClinVar aggregate classification (germline): Uncertain significance (1 of 4 stars; one submission).

Conditions:
PLXNA4-related disorder. Also called: PLXNA4-related condition.

Submission:

PreventionGenetics, part of Exact Sciences
Classification: Uncertain significance for PLXNA4-related condition. Last evaluated: 2025-01-31. Review status: criteria provided, single submitter. Criteria: ACMG Guidelines, 2015. Collection method: clinical testing. Allele origin: germline.
Comment: The PLXNA4 c.3824A>G variant is predicted to result in the amino acid substitution p.Gln1275Arg. To our knowledge, this variant has not been reported in the literature or in a large population database (gnomAD), indicating this variant is rare. At this time, the clinical significance of this variant is uncertain due to the absence of conclusive functional and genetic evidence.

NM_020911.2(PLXNA4):c.3824A>G (p.Gln1275Arg)

Gene: PLXNA4 (plexin A4; minus strand). Cytogenetic location: 7q32.3.
Variant type: single nucleotide variant.
Coding change: c.3824A>G on transcript NM_020911.2 (MANE Select); coding-DNA position 3824, A replaced by G.
Protein change: p.Gln1275Arg; replaces glutamine 1275 with arginine.
Molecular consequence: missense variant.
Genome position (GRCh38, 1-based): chr7:132,179,737, T>C on the plus strand (A>G on the coding strand, the complement: PLXNA4 is on the minus strand). VCF-style: chr7-132179737-T-C. GRCh37 (hg19) VCF-style: chr7-131864496-T-C.
Other names: c.3824A>G, p.Gln1275Arg (NM_001393897.1); short protein forms Q1275R.
Identifiers: ClinVar variation 4977460 (VCV004977460.1).